The following is an entry in ClinVar:

NM_000551.4(VHL):c.340+818G>A

Genes: VHL (von Hippel-Lindau tumor suppressor; plus strand), LOC107303340 (3p25 von Hippel-Lindau tumor suppressor, E3 ubiquitin protein ligase Alu-mediated recombination region; plus strand). Cytogenetic location: 3p25.3.
Variant type: single nucleotide variant.
Coding change: c.340+818G>A on transcript NM_000551.4 (MANE Select); 818 bases into the intron after coding-DNA position 340, G replaced by A.
Molecular consequence: intron variant. On other transcripts: 3 prime UTR variant (1).
Genome position (GRCh38, 1-based): chr3:10,143,005, G>A. VCF-style: chr3-10143005-G-A. GRCh37 (hg19) VCF-style: chr3-10184689-G-A.
Other names: c.*1G>A (NM_001354723.2); c.340+818G>A (NM_198156.3).
Identifiers: ClinVar variation 845505 (VCV000845505.10), dbSNP rs960959316, ClinGen allele CA70046828.

ClinVar aggregate classification (germline): Uncertain significance (1 of 4 stars; one submission).

Conditions:
Chuvash polycythemia. Also called: POLYCYTHEMIA, VHL-DEPENDENT. Identifiers: Orphanet 238557, MedGen C1837915, MONDO:0009892, OMIM 263400.
Von Hippel-Lindau syndrome (VHLS). Also called: Von Hippel-Lindau; VHL syndrome; von Hippel–Lindau syndrome. Identifiers: Orphanet 892, MedGen C0019562, MONDO:0008667, OMIM 193300. Disease mechanism: loss of function.

Allele frequency attached by ClinVar (database versions not stated): TOPMed 0.00001.

Submission:

Labcorp Genetics (formerly Invitae), Labcorp
Classification: Uncertain significance for Von Hippel-Lindau syndrome; Chuvash polycythemia. Last evaluated: 2026-01-27. Review status: criteria provided, single submitter. Criteria: Invitae Variant Classification Sherloc (09022015). Collection method: clinical testing. Allele origin: germline.
Comment: This sequence change falls in intron 1 of the VHL gene. It is not expected to change the encoded amino acid sequence of the VHL protein. However, this sequence change falls within a cryptic exon in the VHL gene, known as exon E1’, which is naturally expressed at low levels in several human tissues (PMID: 29891534). This variant is not present in population databases (gnomAD no frequency). This variant has not been reported in the literature in individuals affected with VHL-related conditions. ClinVar contains an entry for this variant (Variation ID: 845505). Algorithms developed to predict the effect of sequence changes on RNA splicing suggest that this variant is not likely to affect RNA splicing. In summary, the available evidence is currently insufficient to determine the role of this variant in disease. Therefore, it has been classified as a Variant of Uncertain Significance.

Literature cited by the submitters: PubMed 29891534.